The following is an entry in ClinVar:

NM_000052.7(ATP7A):c.1947-3A>G

Gene: ATP7A (ATPase copper transporting alpha; plus strand). Cytogenetic location: Xq21.1.
Variant type: single nucleotide variant.
Coding change: c.1947-3A>G on transcript NM_000052.7 (MANE Select); 3 bases into the intron before coding-DNA position 1947, A replaced by G.
Molecular consequence: intron variant.
Genome position (GRCh38, 1-based): chrX:78,011,446, A>G. VCF-style: chrX-78011446-A-G. GRCh37 (hg19) VCF-style: chrX-77266943-A-G.
Other names: p.?; c.1947-3A>G (NM_001282224.2).
Identifiers: ClinVar variation 1435507 (VCV001435507.7), dbSNP rs782237008, ClinGen allele CA10459177.
Genomic context (GRCh38, chrX:78,011,446, plus strand): 5'-AGAATCTTTACCCATTAGCTATTTATGACCATGATTTTTCTTTTTTTATTTTTTCCATAT[A>G]AGATGGAGACGGTCTTTTCTTGTGAGTCTGTTTTTCTGTATTCCTGTAATGGGGCTGATG-3'

ClinVar aggregate classification (germline): Benign/Likely benign. Review status: criteria provided, multiple submitters, no conflicts (2 of 4 stars). 2 submissions from 2 submitters: Benign (1); Likely benign (1). Last evaluated 2025-05-27.

Conditions:
X-linked distal spinal muscular atrophy type 3. Also called: ATP7A-Related Distal Motor Neuropathy; NEURONOPATHY, DISTAL HEREDITARY MOTOR, X-LINKED; NEUROPATHY, DISTAL HEREDITARY MOTOR, X-LINKED; SPINAL MUSCULAR ATROPHY, DISTAL, X-LINKED RECESSIVE. Identifiers: Orphanet 139557, MedGen C1845359, MONDO:0010338, OMIM 300489.
Menkes kinky-hair syndrome (MNK). Also called: Classic Menkes Disease; Copper transport disease; Menkes Disease. Identifiers: Orphanet 565, MedGen C0022716, MONDO:0010651, OMIM 309400.
Cutis laxa, X-linked (OHS). Also called: EDS IX; Occipital horn syndrome. Identifiers: Orphanet 198, MedGen C0268353, MONDO:0010572, OMIM 304150.

Allele frequency attached by ClinVar (database versions not stated): gnomAD exomes 0.00002; ExAC 0.00003; gnomAD 0.00007 and 0.00008; TOPMed 0.00008.
gnomAD v4.1: 35 of 1,203,796 alleles (0.0029%); highest among the groups gnomAD compares: African/African-American, 0.014%; no homozygotes.

Submissions (2):

Labcorp Genetics (formerly Invitae), Labcorp
Classification: Likely benign for X-linked distal spinal muscular atrophy type 3; Cutis laxa, X-linked; Menkes kinky-hair syndrome. Last evaluated: 2025-05-27. Review status: criteria provided, single submitter. Criteria: Invitae Variant Classification Sherloc (09022015). Collection method: clinical testing. Allele origin: germline.

Mayo Clinic Laboratories, Mayo Clinic
Classification: Benign. Last evaluated: 2025-03-25. Review status: criteria provided, single submitter. Criteria: ACMG Guidelines, 2015. Collection method: clinical testing. Allele origin: germline. Observed: 1 variant allele.
Comment: BS1, BS2